The following is an entry in ClinVar:

ClinVar aggregate classification (germline): Uncertain significance (1 of 4 stars; one submission).

Conditions:
Hearing impairment. Also called: Impaired Hearing. Identifiers: MedGen C1384666, MONDO:0005365, HP:0000365.

gnomAD v4.1: 39 of 1,552,154 alleles (0.0025%); highest among the groups gnomAD compares: African/African-American, 0.0095%; no homozygotes.

Submission:

Department of Otolaryngology – Head & Neck Surgery, Cochlear Implant Center
Classification: Uncertain significance for Hearing impairment. Last evaluated: 2021-04-12. Review status: criteria provided, single submitter. Criteria: ClinGen HL ACMG Specifications v1. Collection method: clinical testing. Allele origin: germline. Affected: yes.
Comment: PM2_Moderate, PP3_Supporting

NM_001039141.3(TRIOBP):c.3910C>T (p.Arg1304Cys)

Gene: TRIOBP (TRIO and F-actin binding protein; plus strand). Cytogenetic location: 22q13.1.
Variant type: single nucleotide variant.
Coding change: c.3910C>T on transcript NM_001039141.3 (MANE Select); coding-DNA position 3910, C replaced by T.
Protein change: p.Arg1304Cys; replaces arginine 1304 with cysteine.
Molecular consequence: missense variant.
Genome position (GRCh38, 1-based): chr22:37,726,466, C>T. VCF-style: chr22-37726466-C-T. GRCh37 (hg19) VCF-style: chr22-38122473-C-T.
Other names: short protein forms R1304C.
Identifiers: ClinVar variation 1064908 (VCV001064908.3), dbSNP rs550274094, ClinGen allele CA10224252.